The following is an entry in ClinVar:

ClinVar aggregate classification (germline): Uncertain significance (1 of 4 stars; one submission).

Submission:

Labcorp Genetics (formerly Invitae), Labcorp
Classification: Uncertain significance. Last evaluated: 2024-11-22. Review status: criteria provided, single submitter. Criteria: Invitae Variant Classification Sherloc (09022015). Collection method: clinical testing. Allele origin: germline.
Comment: This sequence change replaces glycine, which is neutral and non-polar, with cysteine, which is neutral and slightly polar, at codon 497 of the ZNF513 protein (p.Gly497Cys). This variant is present in population databases (no rsID available, gnomAD 0.007%). This variant has not been reported in the literature in individuals affected with ZNF513-related conditions. ClinVar contains an entry for this variant (Variation ID: 1372636). An algorithm developed to predict the effect of missense changes on protein structure and function (PolyPhen-2) suggests that this variant is likely to be disruptive. In summary, the available evidence is currently insufficient to determine the role of this variant in disease. Therefore, it has been classified as a Variant of Uncertain Significance.

NM_144631.6(ZNF513):c.1489G>T (p.Gly497Cys)

Gene: ZNF513 (zinc finger protein 513; minus strand). Cytogenetic location: 2p23.3.
Variant type: single nucleotide variant.
Coding change: c.1489G>T on transcript NM_144631.6 (MANE Select); coding-DNA position 1489, G replaced by T.
Protein change: p.Gly497Cys; replaces glycine 497 with cysteine.
Molecular consequence: missense variant.
Genome position (GRCh38, 1-based): chr2:27,377,682, C>A on the plus strand (G>T on the coding strand, the complement: ZNF513 is on the minus strand). VCF-style: chr2-27377682-C-A. GRCh37 (hg19) VCF-style: chr2-27600549-C-A.
Other names: c.1303G>T, p.Gly435Cys (NM_001201459.2); short protein forms G435C, G497C.
Identifiers: ClinVar variation 1372636 (VCV001372636.6), dbSNP rs201710240, ClinGen allele CA346214316.
Genomic context (GRCh38, chr2:27,377,682, plus strand): 5'-GTGGGCTATGAGGTGGGGCCCAGCCCTCAGAGGCAGAGAGACCAGGCCCTCCTGCCCCAC[C>A]GTGGCCATGCACCTTCTGGTGGCGCTTGTAGTTGTCCCAGTGGCCCGTGGTATAGGCGCA-3'
Protein context (NP_653232.3, residues 487-507): YKRHQKVHGH[Gly497Cys]GAGGPGLSAS